The following is an entry in ClinVar:

NM_020461.4(TUBGCP6):c.4528G>C (p.Glu1510Gln)

Gene: TUBGCP6 (tubulin gamma complex component 6; minus strand). Cytogenetic location: 22q13.33.
Variant type: single nucleotide variant.
Coding change: c.4528G>C on transcript NM_020461.4 (MANE Select); coding-DNA position 4528, G replaced by C.
Protein change: p.Glu1510Gln; replaces glutamic acid 1510 with glutamine.
Molecular consequence: missense variant.
Genome position (GRCh38, 1-based): chr22:50,219,166, C>G on the plus strand (G>C on the coding strand, the complement: TUBGCP6 is on the minus strand). VCF-style: chr22-50219166-C-G. GRCh37 (hg19) VCF-style: chr22-50657595-C-G.
Other names: short protein forms E1510Q.
Identifiers: ClinVar variation 4768447 (VCV004768447.1).

ClinVar aggregate classification (germline): Uncertain significance (1 of 4 stars; one submission).

gnomAD v4.1: 5 of 1,612,530 alleles (0.00031%); highest among the groups gnomAD compares: African/African-American, 0.0013%; no homozygotes.

Submission:

Labcorp Genetics (formerly Invitae), Labcorp
Classification: Uncertain significance. Last evaluated: 2026-01-08. Review status: criteria provided, single submitter. Criteria: Invitae Variant Classification Sherloc (09022015). Collection method: clinical testing. Allele origin: germline.
Comment: This sequence change replaces glutamic acid, which is acidic and polar, with glutamine, which is neutral and polar, at codon 1510 of the TUBGCP6 protein (p.Glu1510Gln). This variant is not present in population databases (gnomAD no frequency). This variant has not been reported in the literature in individuals affected with TUBGCP6-related conditions. An algorithm developed to predict the effect of missense changes on protein structure and function (PolyPhen-2) suggests that this variant is likely to be disruptive. In summary, the available evidence is currently insufficient to determine the role of this variant in disease. Therefore, it has been classified as a Variant of Uncertain Significance.